The following is an entry in ClinVar:

NM_006662.3(SRCAP):c.8962A>G (p.Thr2988Ala)

Gene: SRCAP (Snf2 related CREBBP activator protein; plus strand). Cytogenetic location: 16p11.2.
Variant type: single nucleotide variant.
Coding change: c.8962A>G on transcript NM_006662.3 (MANE Select); coding-DNA position 8962, A replaced by G.
Protein change: p.Thr2988Ala; replaces threonine 2988 with alanine.
Molecular consequence: missense variant.
Genome position (GRCh38, 1-based): chr16:30,739,002, A>G. VCF-style: chr16-30739002-A-G. GRCh37 (hg19) VCF-style: chr16-30750323-A-G.
Other names: short protein forms T2988A.
Identifiers: ClinVar variation 1401487 (VCV001401487.8), dbSNP rs779147140, ClinGen allele CA8012802.

ClinVar aggregate classification (germline): Uncertain significance (1 of 4 stars; one submission).

Allele frequency attached by ClinVar (database versions not stated): gnomAD 0.00001; TOPMed 0.00001.
gnomAD v4.1: 46 of 1,613,926 alleles (0.0029%); highest among the groups gnomAD compares: Non-Finnish European, 0.0036%; no homozygotes.

Submission:

Labcorp Genetics (formerly Invitae), Labcorp
Classification: Uncertain significance. Last evaluated: 2024-10-23. Review status: criteria provided, single submitter. Criteria: Invitae Variant Classification Sherloc (09022015). Collection method: clinical testing. Allele origin: germline.
Comment: This sequence change replaces threonine, which is neutral and polar, with alanine, which is neutral and non-polar, at codon 2988 of the SRCAP protein (p.Thr2988Ala). This variant is present in population databases (rs779147140, gnomAD 0.009%). This variant has not been reported in the literature in individuals affected with SRCAP-related conditions. ClinVar contains an entry for this variant (Variation ID: 1401487). Invitae Evidence Modeling of protein sequence and biophysical properties (such as structural, functional, and spatial information, amino acid conservation, physicochemical variation, residue mobility, and thermodynamic stability) indicates that this missense variant is not expected to disrupt SRCAP protein function with a negative predictive value of 80%. In summary, the available evidence is currently insufficient to determine the role of this variant in disease. Therefore, it has been classified as a Variant of Uncertain Significance.